The following is an entry in ClinVar:

NM_000059.4(BRCA2):c.1634T>C (p.Val545Ala)

Gene: BRCA2 (BRCA2 DNA repair associated; plus strand). Cytogenetic location: 13q13.1.
Variant type: single nucleotide variant.
Coding change: c.1634T>C on transcript NM_000059.4 (MANE Select); coding-DNA position 1634, T replaced by C.
Protein change: p.Val545Ala; replaces valine 545 with alanine.
Molecular consequence: missense variant. On other transcripts: non-coding transcript variant (1), intron variant (1).
Genome position (GRCh38, 1-based): chr13:32,333,112, T>C. VCF-style: chr13-32333112-T-C. GRCh37 (hg19) VCF-style: chr13-32907249-T-C.
Other names: c.1634T>C, p.Val545Ala (NM_001406719.1, NM_001406720.1, NM_001406721.1); c.424+2082T>C (NM_001406722.1); short protein forms V545A.
Identifiers: ClinVar variation 2701998 (VCV002701998.3), dbSNP rs2137473400, ClinGen allele CA387764941.
Genomic context (GRCh38, chr13:32,333,112, plus strand): 5'-CTGATCCAAACTTTAAAAAAGAAACTGAAGCCTCTGAAAGTGGACTGGAAATACATACTG[T>C]TTGCTCACAGAAGGAGGACTCCTTATGTCCAAATTTAATTGATAATGGAAGCTGGCCAGC-3'
Protein context (NP_000050.3, residues 535-555): ASESGLEIHT[Val545Ala]CSQKEDSLCP

ClinVar aggregate classification (germline): Uncertain significance (1 of 4 stars; one submission).

Conditions:
Hereditary breast ovarian cancer syndrome. Also called: Hereditary breast and/or ovarian cancer syndrome; Hereditary breast and ovarian cancer syndrome (HBOC); Breast and ovarian cancer; Hereditary breast and ovarian cancer syndrome; Hereditary breast and ovarian cancer; BRCA1- and BRCA2-Associated Hereditary Breast and Ovarian Cancer. Identifiers: Orphanet 145, MedGen C0677776, MeSH D061325, MONDO:0003582. Disease mechanism: loss of function.

Submission:

Labcorp Genetics (formerly Invitae), Labcorp
Classification: Uncertain significance for Hereditary breast ovarian cancer syndrome. Last evaluated: 2023-12-10. Review status: criteria provided, single submitter. Criteria: Invitae Variant Classification Sherloc (09022015). Collection method: clinical testing. Allele origin: germline.
Comment: This sequence change replaces valine, which is neutral and non-polar, with alanine, which is neutral and non-polar, at codon 545 of the BRCA2 protein (p.Val545Ala). This variant is not present in population databases (gnomAD no frequency). This variant has not been reported in the literature in individuals affected with BRCA2-related conditions. Advanced modeling of protein sequence and biophysical properties (such as structural, functional, and spatial information, amino acid conservation, physicochemical variation, residue mobility, and thermodynamic stability) performed at Invitae indicates that this missense variant is not expected to disrupt BRCA2 protein function with a negative predictive value of 95%. In summary, the available evidence is currently insufficient to determine the role of this variant in disease. Therefore, it has been classified as a Variant of Uncertain Significance.